The following is an entry in ClinVar:

ClinVar aggregate classification (germline): Uncertain significance. Review status: criteria provided, multiple submitters, no conflicts (2 of 4 stars). 2 submissions from 2 submitters: Uncertain significance (2). Last evaluated 2024-09-30.

Allele frequency attached by ClinVar (database versions not stated): TOPMed below 0.00001; gnomAD 0.00001; gnomAD exomes 0.00001; 1000 Genomes Project 0.00020; 1000 Genomes Project 30x 0.00031.
gnomAD v4.1: 19 of 1,614,084 alleles (0.0012%); highest among the groups gnomAD compares: East Asian, 0.016%; no homozygotes.

Submissions (2):

Ambry Genetics
Classification: Uncertain significance. Last evaluated: 2024-09-30. Review status: criteria provided, single submitter. Criteria: Ambry Variant Classification Scheme 2023. Collection method: clinical testing. Allele origin: germline.

Labcorp Genetics (formerly Invitae), Labcorp
Classification: Uncertain significance. Last evaluated: 2022-07-05. Review status: criteria provided, single submitter. Criteria: Invitae Variant Classification Sherloc (09022015). Collection method: clinical testing. Allele origin: germline.
Comment: In summary, the available evidence is currently insufficient to determine the role of this variant in disease. Therefore, it has been classified as a Variant of Uncertain Significance. Algorithms developed to predict the effect of missense changes on protein structure and function (SIFT, PolyPhen-2, Align-GVGD) all suggest that this variant is likely to be disruptive. ClinVar contains an entry for this variant (Variation ID: 1471935). This variant has not been reported in the literature in individuals affected with GUCA1B-related conditions. This variant is present in population databases (rs552920546, gnomAD 0.0009%). This sequence change replaces arginine, which is basic and polar, with cysteine, which is neutral and slightly polar, at codon 111 of the GUCA1B protein (p.Arg111Cys).

NM_002098.6(GUCA1B):c.331C>T (p.Arg111Cys)

Gene: GUCA1B (guanylate cyclase activator 1B; minus strand). Cytogenetic location: 6p21.1.
Variant type: single nucleotide variant.
Coding change: c.331C>T on transcript NM_002098.6 (MANE Select); coding-DNA position 331, C replaced by T.
Protein change: p.Arg111Cys; replaces arginine 111 with cysteine.
Molecular consequence: missense variant.
Genome position (GRCh38, 1-based): chr6:42,188,608, G>A on the plus strand (C>T on the coding strand, the complement: GUCA1B is on the minus strand). VCF-style: chr6-42188608-G-A. GRCh37 (hg19) VCF-style: chr6-42156346-G-A.
Other names: c.331C>T (NM_002098.5); short protein forms R111C.
Identifiers: ClinVar variation 1471935 (VCV001471935.8), dbSNP rs552920546, ClinGen allele CA3805596.